The following is an entry in ClinVar:

ClinVar aggregate classification (germline): Uncertain significance (1 of 4 stars; one submission).

Conditions:
EPILEPSY, CHILDHOOD ABSENCE, SUSCEPTIBILITY TO, 2 (ECA2). Identifiers: Orphanet 64280, MedGen C1843244, OMIM 607681.
Febrile seizures, familial, 8 (FEB8). Also called: CONVULSIONS, FAMILIAL FEBRILE, 8. Identifiers: Orphanet 36387, MedGen C1969810, MONDO:0011891, OMIM 607681.

Submission:

Labcorp Genetics (formerly Invitae), Labcorp
Classification: Uncertain significance for Febrile seizures, familial, 8; EPILEPSY, CHILDHOOD ABSENCE, SUSCEPTIBILITY TO, 2. Last evaluated: 2023-11-08. Review status: criteria provided, single submitter. Criteria: Invitae Variant Classification Sherloc (09022015). Collection method: clinical testing. Allele origin: germline.
Comment: This sequence change replaces aspartic acid, which is acidic and polar, with alanine, which is neutral and non-polar, at codon 159 of the GABRG2 protein (p.Asp159Ala). This variant is not present in population databases (gnomAD no frequency). This variant has not been reported in the literature in individuals affected with GABRG2-related conditions. Advanced modeling of protein sequence and biophysical properties (such as structural, functional, and spatial information, amino acid conservation, physicochemical variation, residue mobility, and thermodynamic stability) has been performed at Invitae for this missense variant, however the output from this modeling did not meet the statistical confidence thresholds required to predict the impact of this variant on GABRG2 protein function. In summary, the available evidence is currently insufficient to determine the role of this variant in disease. Therefore, it has been classified as a Variant of Uncertain Significance.

NM_198904.4(GABRG2):c.476A>C (p.Asp159Ala)

Gene: GABRG2 (gamma-aminobutyric acid type A receptor subunit gamma2; plus strand). Cytogenetic location: 5q34.
Variant type: single nucleotide variant.
Coding change: c.476A>C on transcript NM_198904.4 (MANE Select); coding-DNA position 476, A replaced by C.
Protein change: p.Asp159Ala; replaces aspartic acid 159 with alanine.
Molecular consequence: missense variant.
Genome position (GRCh38, 1-based): chr5:162,097,786, A>C. VCF-style: chr5-162097786-A-C. GRCh37 (hg19) VCF-style: chr5-161524792-A-C.
Other names: c.476A>C, p.Asp159Ala (NM_000816.3, NM_001375340.1, NM_001375341.1 and 4 more transcripts); c.467A>C, p.Asp156Ala (NM_001375339.1); c.410A>C, p.Asp137Ala (NM_001375345.1, NM_001375346.1); c.389A>C, p.Asp130Ala (NM_001375347.1); c.56A>C, p.Asp19Ala (NM_001375348.1, NM_001375350.1); c.191A>C, p.Asp64Ala (NM_001375349.1); short protein forms D19A, D64A, D130A, D159A, D156A, D137A.
Identifiers: ClinVar variation 2953693 (VCV002953693.3), dbSNP rs2532569231, ClinGen allele CA362184308.